The following is an entry in ClinVar:

ClinVar aggregate classification (germline): Uncertain significance (1 of 4 stars; one submission).

Conditions:
Inborn genetic diseases. Identifiers: MedGen C0950123, MeSH D030342.

Submission:

Ambry Genetics
Classification: Uncertain significance for Inborn genetic diseases. Last evaluated: 2025-05-08. Review status: criteria provided, single submitter. Criteria: Ambry Variant Classification Scheme 2023. Collection method: clinical testing. Allele origin: germline.
Comment: The p.H343Q variant (also known as c.1029C>G), located in coding exon 6 of the ERCC6L2 gene, results from a C to G substitution at nucleotide position 1029. The histidine at codon 343 is replaced by glutamine, an amino acid with highly similar properties. This amino acid position is conserved. In addition, this alteration is predicted to be deleterious by in silico analysis. Based on the available evidence, the clinical significance of this variant remains unclear.

NM_020207.7(ERCC6L2):c.1029C>G (p.His343Gln)

Gene: ERCC6L2 (ERCC excision repair 6 like 2; plus strand). Cytogenetic location: 9q22.32.
Variant type: single nucleotide variant.
Coding change: c.1029C>G on transcript NM_020207.7 (MANE Select); coding-DNA position 1029, C replaced by G.
Protein change: p.His343Gln; replaces histidine 343 with glutamine.
Molecular consequence: missense variant. On other transcripts: non-coding transcript variant (1).
Genome position (GRCh38, 1-based): chr9:95,916,305, C>G. VCF-style: chr9-95916305-C-G. GRCh37 (hg19) VCF-style: chr9-98678587-C-G.
Other names: c.1029C>G, p.His343Gln (NM_001010895.4, NM_001375291.1, NM_001375292.1 and 2 more transcripts); short protein forms H343Q.
Identifiers: ClinVar variation 4019347 (VCV004019347.1).
Genomic context (GRCh38, chr9:95,916,305, plus strand): 5'-AGGGAGTGGGACCTACTTCAAGAAGCAGTTTTCTGACCCAGTAGAACATGGTCAGAGACA[C>G]ACGGCAACAAAGAGAGAACTAGCCACTGGCCGAAAGGCCATGCAAAGACTTGCCAAAAAG-3'
Protein context (NP_064592.3, residues 333-353): FSDPVEHGQR[His343Gln]TATKRELATG